The following is an entry in ClinVar:

NM_020163.3(SEMA3G):c.1913G>C (p.Arg638Pro)

Gene: SEMA3G (semaphorin 3G; minus strand). Cytogenetic location: 3p21.1.
Variant type: single nucleotide variant.
Coding change: c.1913G>C on transcript NM_020163.3 (MANE Select); coding-DNA position 1913, G replaced by C.
Protein change: p.Arg638Pro; replaces arginine 638 with proline.
Molecular consequence: missense variant.
Genome position (GRCh38, 1-based): chr3:52,436,039, C>G on the plus strand (G>C on the coding strand, the complement: SEMA3G is on the minus strand). VCF-style: chr3-52436039-C-G. GRCh37 (hg19) VCF-style: chr3-52470055-C-G.
Other names: c.1913G>C (NM_020163.2); short protein forms R638P.
Identifiers: ClinVar variation 2212850 (VCV002212850.4), dbSNP rs377268528, ClinGen allele CA2437765.

ClinVar aggregate classification (germline): Uncertain significance. Review status: criteria provided, single submitter (1 of 4 stars). 2 submissions from 2 submitters: Uncertain significance (1). 1 of the submissions does not count toward it. Last evaluated 2024-11-26.

Conditions:
SEMA3G-related disorder. Also called: SEMA3G-related condition.

Submissions (2):

Ambry Genetics
Classification: Uncertain significance. Last evaluated: 2024-11-26. Review status: criteria provided, single submitter. Criteria: Ambry Variant Classification Scheme 2023. Collection method: clinical testing. Allele origin: germline.

PreventionGenetics, part of Exact Sciences
Classification: Uncertain significance for SEMA3G-related condition. Last evaluated: 2024-08-06. Review status: no assertion criteria provided. Collection method: clinical testing. Allele origin: germline. Not counted in ClinVar's aggregate classification.
Comment: The SEMA3G c.1913G>C variant is predicted to result in the amino acid substitution p.Arg638Pro. To our knowledge, this variant has not been reported in the literature. This variant is reported in 0.0055% of alleles in individuals of European (Non-Finnish) descent in gnomAD. At this time, the clinical significance of this variant is uncertain due to the absence of conclusive functional and genetic evidence.